The following is an entry in ClinVar:

NM_001170629.2(CHD8):c.4973A>C (p.Glu1658Ala)

Gene: CHD8 (chromodomain helicase DNA binding protein 8; minus strand). Cytogenetic location: 14q11.2.
Variant type: single nucleotide variant.
Coding change: c.4973A>C on transcript NM_001170629.2 (MANE Select); coding-DNA position 4973, A replaced by C.
Protein change: p.Glu1658Ala; replaces glutamic acid 1658 with alanine.
Molecular consequence: missense variant.
Genome position (GRCh38, 1-based): chr14:21,397,901, T>G on the plus strand (A>C on the coding strand, the complement: CHD8 is on the minus strand). VCF-style: chr14-21397901-T-G. GRCh37 (hg19) VCF-style: chr14-21866060-T-G.
Other names: c.4973A>C (NM_001170629.1); c.4136A>C, p.Glu1379Ala (NM_020920.4); short protein forms E1658A, E1379A.
Identifiers: ClinVar variation 2694625 (VCV002694625.4), dbSNP rs2501876080, ClinGen allele CA388886945.

ClinVar aggregate classification (germline): Uncertain significance. Review status: criteria provided, multiple submitters, no conflicts (2 of 4 stars). 2 submissions from 2 submitters: Uncertain significance (2). Last evaluated 2024-07-03.

Submissions (2):

GeneDx
Classification: Uncertain significance. Last evaluated: 2024-07-03. Review status: criteria provided, single submitter. Criteria: GeneDx Variant Classification Process June 2021. Collection method: clinical testing. Allele origin: germline. Affected: yes.
Comment: Not observed at significant frequency in large population cohorts (gnomAD); In silico analysis supports that this missense variant has a deleterious effect on protein structure/function; Has not been previously published as pathogenic or benign to our knowledge

Labcorp Genetics (formerly Invitae), Labcorp
Classification: Uncertain significance. Last evaluated: 2023-11-10. Review status: criteria provided, single submitter. Criteria: Invitae Variant Classification Sherloc (09022015). Collection method: clinical testing. Allele origin: germline.
Comment: This sequence change replaces glutamic acid, which is acidic and polar, with alanine, which is neutral and non-polar, at codon 1658 of the CHD8 protein (p.Glu1658Ala). This variant is not present in population databases (gnomAD no frequency). This variant has not been reported in the literature in individuals affected with CHD8-related conditions. Advanced modeling of protein sequence and biophysical properties (such as structural, functional, and spatial information, amino acid conservation, physicochemical variation, residue mobility, and thermodynamic stability) performed at Invitae indicates that this missense variant is not expected to disrupt CHD8 protein function with a negative predictive value of 80%. In summary, the available evidence is currently insufficient to determine the role of this variant in disease. Therefore, it has been classified as a Variant of Uncertain Significance.